The following is an entry in ClinVar:

NM_000891.3(KCNJ2):c.752A>G (p.Asn251Ser)

Gene: KCNJ2 (potassium inwardly rectifying channel subfamily J member 2; plus strand). Cytogenetic location: 17q24.3.
Variant type: single nucleotide variant.
Coding change: c.752A>G on transcript NM_000891.3 (MANE Select); coding-DNA position 752, A replaced by G.
Protein change: p.Asn251Ser; replaces asparagine 251 with serine.
Molecular consequence: missense variant.
Genome position (GRCh38, 1-based): chr17:70,175,791, A>G. VCF-style: chr17-70175791-A-G. GRCh37 (hg19) VCF-style: chr17-68171932-A-G.
Other names: short protein forms N251S.
Identifiers: ClinVar variation 453204 (VCV000453204.7), dbSNP rs1261477163, ClinGen allele CA400861918.

ClinVar aggregate classification (germline): Uncertain significance. Review status: criteria provided, multiple submitters, no conflicts (2 of 4 stars). 4 submissions from 4 submitters: Uncertain significance (4). Last evaluated 2025-04-22.

Conditions:
Cardiovascular phenotype. Identifiers: MedGen CN230736.
Andersen Tawil syndrome (LQT7). Also called: ANDERSEN CARDIODYSRHYTHMIC PERIODIC PARALYSIS; LONG QT SYNDROME 7; Potassium-sensitive periodic paralysis, ventricular ectopy, and dysmorphic features; PERIODIC PARALYSIS, POTASSIUM-SENSITIVE CARDIODYSRHYTHMIC TYPE; Andersen Syndrome. Identifiers: Orphanet 37553, MedGen C1563715, MONDO:0008222, OMIM 170390.
Atrial fibrillation, familial, 9 (ATFB9). Identifiers: MedGen C3151431, MONDO:0013513, OMIM 613980.
Short QT syndrome type 3. Identifiers: Orphanet 51083, MedGen C1865018, MONDO:0012314, OMIM 609622.

Allele frequency attached by ClinVar (database versions not stated): gnomAD 0.00001; gnomAD exomes 0.00001.

Submissions (4):

Ambry Genetics
Classification: Uncertain significance for Cardiovascular phenotype. Last evaluated: 2025-04-22. Review status: criteria provided, single submitter. Criteria: Ambry Variant Classification Scheme 2023. Collection method: clinical testing. Allele origin: germline.
Comment: The p.N251S variant (also known as c.752A>G), located in coding exon 1 of the KCNJ2 gene, results from an A to G substitution at nucleotide position 752. The asparagine at codon 251 is replaced by serine, an amino acid with highly similar properties. This amino acid position is well conserved in available vertebrate species. In addition, the in silico prediction for this alteration is inconclusive. Based on the available evidence, the clinical significance of this variant remains unclear.

Labcorp Genetics (formerly Invitae), Labcorp
Classification: Uncertain significance for Short QT syndrome type 3; Andersen Tawil syndrome. Last evaluated: 2024-03-11. Review status: criteria provided, single submitter. Criteria: Invitae Variant Classification Sherloc (09022015). Collection method: clinical testing. Allele origin: germline.
Comment: This sequence change replaces asparagine, which is neutral and polar, with serine, which is neutral and polar, at codon 251 of the KCNJ2 protein (p.Asn251Ser). This variant is present in population databases (no rsID available, gnomAD 0.003%). This variant has not been reported in the literature in individuals affected with KCNJ2-related conditions. ClinVar contains an entry for this variant (Variation ID: 453204). Advanced modeling of protein sequence and biophysical properties (such as structural, functional, and spatial information, amino acid conservation, physicochemical variation, residue mobility, and thermodynamic stability) performed at Invitae indicates that this missense variant is not expected to disrupt KCNJ2 protein function with a negative predictive value of 80%. In summary, the available evidence is currently insufficient to determine the role of this variant in disease. Therefore, it has been classified as a Variant of Uncertain Significance.

Fulgent Genetics
Classification: Uncertain significance for Andersen Tawil syndrome; Short QT syndrome type 3; Atrial fibrillation, familial, 9. Last evaluated: 2021-07-23. Review status: criteria provided, single submitter. Criteria: ACMG Guidelines, 2015. Collection method: clinical testing. Allele origin: unknown.

GeneDx
Classification: Uncertain significance. Last evaluated: 2017-11-06. Review status: criteria provided, single submitter. Criteria: GeneDx Variant Classification (06012015). Collection method: clinical testing. Allele origin: germline. Affected: yes.
Comment: A variant of uncertain significance has been identified in the KCNJ2 gene. The N251S variant has not been published as pathogenic or been reported as benign to our knowledge. This variant is also not observed at a significant frequency in large population cohorts (Lek et al., 2016). This substitution occurs at a position that is conserved in mammals and in silico analysis predicts this variant is probably damaging to the protein structure/function. However, N251S is a conservative amino acid substitution, which is not likely to impact secondary protein structure as these residues share similar properties.